The following is an entry in ClinVar:

NM_001127453.2(GSDME):c.1463T>G (p.Leu488Arg)

Gene: GSDME (gasdermin E; minus strand). Cytogenetic location: 7p15.3.
Variant type: single nucleotide variant.
Coding change: c.1463T>G on transcript NM_001127453.2 (MANE Select); coding-DNA position 1463, T replaced by G.
Protein change: p.Leu488Arg; replaces leucine 488 with arginine.
Molecular consequence: missense variant.
Genome position (GRCh38, 1-based): chr7:24,699,054, A>C on the plus strand (T>G on the coding strand, the complement: GSDME is on the minus strand). VCF-style: chr7-24699054-A-C. GRCh37 (hg19) VCF-style: chr7-24738673-A-C.
Other names: c.971T>G, p.Leu324Arg (NM_001127454.2, NM_001438059.1); c.1463T>G, p.Leu488Arg (NM_004403.3); short protein forms L324R, L488R.
Identifiers: ClinVar variation 4848801 (VCV004848801.1).

ClinVar aggregate classification (germline): Uncertain significance (1 of 4 stars; one submission).

Submission:

Women's Health and Genetics/Laboratory Corporation of America, LabCorp
Classification: Uncertain significance. Last evaluated: 2026-04-28. Review status: criteria provided, single submitter. Criteria: LabCorp Variant Classification Summary - May 2015. Collection method: clinical testing. Allele origin: germline.
Comment: Variant summary: GSDME c.1463T>G (p.Leu488Arg) results in a non-conservative amino acid change in the encoded protein sequence. Algorithms developed to predict the effect of missense changes on protein structure and function all suggest that this variant is likely to be disruptive. The variant was absent in 251326 control chromosomes. The available data on variant occurrences in the general population are insufficient to allow any conclusion about variant significance. To our knowledge, no occurrence of c.1463T>G in individuals affected with GSDME-related conditions and no experimental evidence demonstrating its impact on protein function have been reported. No submitters have cited clinical-significance assessments for this variant to ClinVar. Based on the evidence outlined above, the variant was classified as uncertain significance.